The following is an entry in ClinVar:

ClinVar aggregate classification (germline): Uncertain significance (1 of 4 stars; one submission).

Conditions:
Hereditary cancer-predisposing syndrome. Also called: Neoplastic Syndromes, Hereditary; Tumor predisposition; Hereditary Cancer Syndrome; Hereditary neoplastic syndrome. Identifiers: Orphanet 140162, MedGen C0027672, MeSH D009386, MONDO:0015356.

Submission:

Ambry Genetics
Classification: Uncertain significance for Hereditary cancer-predisposing syndrome. Last evaluated: 2026-05-22. Review status: criteria provided, single submitter. Criteria: Ambry Variant Classification Scheme 2023. Collection method: clinical testing. Allele origin: germline.
Comment: The p.L203H variant (also known as c.608T>A), located in coding exon 5 of the POT1 gene, results from a T to A substitution at nucleotide position 608. The leucine at codon 203 is replaced by histidine, an amino acid with similar properties. This amino acid position is conserved. In addition, this alteration is predicted to be tolerated by in silico analysis. Based on the available evidence, the clinical significance of this variant remains unclear.

NM_015450.3(POT1):c.608T>A (p.Leu203His)

Gene: POT1 (protection of telomeres 1; minus strand). Cytogenetic location: 7q31.33.
Variant type: single nucleotide variant.
Coding change: c.608T>A on transcript NM_015450.3 (MANE Select); coding-DNA position 608, T replaced by A.
Protein change: p.Leu203His; replaces leucine 203 with histidine.
Molecular consequence: missense variant. On other transcripts: non-coding transcript variant (3).
Genome position (GRCh38, 1-based): chr7:124,859,051, A>T on the plus strand (T>A on the coding strand, the complement: POT1 is on the minus strand). VCF-style: chr7-124859051-A-T. GRCh37 (hg19) VCF-style: chr7-124499105-A-T.
Other names: c.215T>A, p.Leu72His (NM_001042594.2); short protein forms L203H, L72H.
Identifiers: ClinVar variation 4862402 (VCV004862402.1).